The following is an entry in ClinVar:

NM_004621.6(TRPC6):c.752A>G (p.Tyr251Cys)

Gene: TRPC6 (transient receptor potential cation channel subfamily C member 6; minus strand). Cytogenetic location: 11q22.1.
Variant type: single nucleotide variant.
Coding change: c.752A>G on transcript NM_004621.6 (MANE Select); coding-DNA position 752, A replaced by G.
Protein change: p.Tyr251Cys; replaces tyrosine 251 with cysteine.
Molecular consequence: missense variant.
Genome position (GRCh38, 1-based): chr11:101,504,217, T>C on the plus strand (A>G on the coding strand, the complement: TRPC6 is on the minus strand). VCF-style: chr11-101504217-T-C. GRCh37 (hg19) VCF-style: chr11-101374948-T-C.
Other names: c.752A>G, p.Tyr251Cys (NM_001439335.1); short protein forms Y251C.
Identifiers: ClinVar variation 4773626 (VCV004773626.1).

ClinVar aggregate classification (germline): Uncertain significance (1 of 4 stars; one submission).

gnomAD v4.1: 1 of 1,614,118 alleles (0.000062%); highest among the groups gnomAD compares: Admixed American, 0.0017%; no homozygotes.

Submission:

Labcorp Genetics (formerly Invitae), Labcorp
Classification: Uncertain significance. Last evaluated: 2025-11-04. Review status: criteria provided, single submitter. Criteria: Invitae Variant Classification Sherloc (09022015). Collection method: clinical testing. Allele origin: germline.
Comment: This sequence change replaces tyrosine, which is neutral and polar, with cysteine, which is neutral and slightly polar, at codon 251 of the TRPC6 protein (p.Tyr251Cys). This variant is present in population databases (rs764878302, gnomAD 0.003%). This variant has not been reported in the literature in individuals affected with TRPC6-related conditions. Invitae Evidence Modeling of protein sequence and biophysical properties (such as structural, functional, and spatial information, amino acid conservation, physicochemical variation, residue mobility, and thermodynamic stability) has been performed for this missense variant. However, the output from this modeling did not meet the statistical confidence thresholds required to predict the impact of this variant on TRPC6 protein function. In summary, the available evidence is currently insufficient to determine the role of this variant in disease. Therefore, it has been classified as a Variant of Uncertain Significance.